The following is an entry in ClinVar:

ClinVar aggregate classification (germline): Likely pathogenic (1 of 4 stars; one submission).

Conditions:
Marfan syndrome (MFS). Also called: Marfan syndrome type 1; Marfan's syndrome; FBN1-Related Marfan Syndrome; MARFAN SYNDROME, TYPE I; Marfan syndrome, classic. Identifiers: Orphanet 284963, Orphanet 558, MedGen C0024796, MONDO:0007947, OMIM 154700.

Submission:

Centre of Medical Genetics, University of Antwerp
Classification: Likely pathogenic for Marfan syndrome. Last evaluated: 2021-03-01. Review status: criteria provided, single submitter. Criteria: Submitter's publication. Collection method: research. Allele origin: unknown. Affected: yes.
Comment: PM2, PS1, PP4

NM_000138.5(FBN1):c.2854G>C (p.Asp952His)

Gene: FBN1 (fibrillin 1; minus strand). Cytogenetic location: 15q21.1.
Variant type: single nucleotide variant.
Coding change: c.2854G>C on transcript NM_000138.5 (MANE Select); coding-DNA position 2854, G replaced by C.
Protein change: p.Asp952His; replaces aspartic acid 952 with histidine.
Molecular consequence: missense variant.
Genome position (GRCh38, 1-based): chr15:48,492,461, C>G on the plus strand (G>C on the coding strand, the complement: FBN1 is on the minus strand). VCF-style: chr15-48492461-C-G. GRCh37 (hg19) VCF-style: chr15-48784658-C-G.
Other names: c.2854G>C, p.Asp952His (NM_001406716.1); short protein forms D952H.
Identifiers: ClinVar variation 1325487 (VCV001325487.2), dbSNP rs2141300251, ClinGen allele CA392330391.